The following is an entry in ClinVar:

ClinVar aggregate classification (germline): Uncertain significance (1 of 4 stars; one submission).

Conditions:
Multiple congenital anomalies-hypotonia-seizures syndrome 1 (MCAHS1). Also called: GLYCOSYLPHOSPHATIDYLINOSITOL BIOSYNTHESIS DEFECT 3; PIGN-CDG; Congenital disorder of glycosylation due to PIGN deficiency. Identifiers: Orphanet 280633, MedGen C3279775, MONDO:0013563, OMIM 614080.

Allele frequency attached by ClinVar (database versions not stated): gnomAD exomes below 0.00001.
gnomAD v4.1: 2 of 1,605,204 alleles (0.00012%); highest among the groups gnomAD compares: Non-Finnish European, 0.00017%; no homozygotes.

Submission:

Labcorp Genetics (formerly Invitae), Labcorp
Classification: Uncertain significance for Multiple congenital anomalies-hypotonia-seizures syndrome 1. Last evaluated: 2021-08-27. Review status: criteria provided, single submitter. Criteria: Invitae Variant Classification Sherloc (09022015). Collection method: clinical testing. Allele origin: germline.
Comment: This sequence change replaces leucine with phenylalanine at codon 560 of the PIGN protein (p.Leu560Phe). The leucine residue is moderately conserved and there is a small physicochemical difference between leucine and phenylalanine. This variant is not present in population databases (ExAC no frequency). This variant has not been reported in the literature in individuals affected with PIGN-related conditions. Algorithms developed to predict the effect of missense changes on protein structure and function (SIFT, PolyPhen-2, Align-GVGD) all suggest that this variant is likely to be tolerated. In summary, the available evidence is currently insufficient to determine the role of this variant in disease. Therefore, it has been classified as a Variant of Uncertain Significance.

NM_176787.5(PIGN):c.1678C>T (p.Leu560Phe)

Gene: PIGN (phosphatidylinositol glycan anchor biosynthesis class N; minus strand). Cytogenetic location: 18q21.33.
Variant type: single nucleotide variant.
Coding change: c.1678C>T on transcript NM_176787.5 (MANE Select); coding-DNA position 1678, C replaced by T.
Protein change: p.Leu560Phe; replaces leucine 560 with phenylalanine.
Molecular consequence: missense variant.
Genome position (GRCh38, 1-based): chr18:62,106,878, G>A on the plus strand (C>T on the coding strand, the complement: PIGN is on the minus strand). VCF-style: chr18-62106878-G-A. GRCh37 (hg19) VCF-style: chr18-59774111-G-A.
Other names: c.1678C>T, p.Leu560Phe (NM_012327.6); short protein forms L560F.
Identifiers: ClinVar variation 1403249 (VCV001403249.5), dbSNP rs2146436684, ClinGen allele CA402605107.
Genomic context (GRCh38, chr18:62,106,878, plus strand): 5'-ATGGCCAAGCTGCAAAGGCAGTAAGTCCAGCGGTAAGCATATAGCGGTAGAAAAAACTGA[G>A]AACCTAGTAATGCATTCCAAAGAAGGAATGAAAAATAAGGTCATTTAATACTAGTTACAA-3'
Protein context (NP_789744.1, residues 550-570): AFTLGIEVLV[Leu560Phe]SFFYRYMLTA